The following is an entry in ClinVar:

ClinVar aggregate classification (germline): Uncertain significance. Review status: criteria provided, multiple submitters, no conflicts (2 of 4 stars). 3 submissions from 3 submitters: Uncertain significance (3). Last evaluated 2025-04-23.

Conditions:
Hereditary cancer-predisposing syndrome. Also called: Hereditary neoplastic syndrome; Neoplastic Syndromes, Hereditary; Hereditary Cancer Syndrome; Tumor predisposition. Identifiers: Orphanet 140162, MedGen C0027672, MeSH D009386, MONDO:0015356.
Familial adenomatous polyposis 1 (FAP1). Also called: FAMILIAL ADENOMATOUS POLYPOSIS 1, ATTENUATED; POLYPOSIS, ADENOMATOUS INTESTINAL. Identifiers: MedGen C2713442, MONDO:0021056, OMIM 175100. Disease mechanism: loss of function.

Submissions (3):

Labcorp Genetics (formerly Invitae), Labcorp
Classification: Uncertain significance for Familial adenomatous polyposis 1. Last evaluated: 2025-04-23. Review status: criteria provided, single submitter. Criteria: Invitae Variant Classification Sherloc (09022015). Collection method: clinical testing. Allele origin: germline.
Comment: This sequence change replaces leucine, which is neutral and non-polar, with phenylalanine, which is neutral and non-polar, at codon 1482 of the APC protein (p.Leu1482Phe). This variant is not present in population databases (gnomAD no frequency). This variant has not been reported in the literature in individuals affected with APC-related conditions. ClinVar contains an entry for this variant (Variation ID: 1721028). Invitae Evidence Modeling of protein sequence and biophysical properties (such as structural, functional, and spatial information, amino acid conservation, physicochemical variation, residue mobility, and thermodynamic stability) indicates that this missense variant is not expected to disrupt APC protein function with a negative predictive value of 95%. In summary, the available evidence is currently insufficient to determine the role of this variant in disease. Therefore, it has been classified as a Variant of Uncertain Significance.

GeneDx
Classification: Uncertain significance. Last evaluated: 2024-12-01. Review status: criteria provided, single submitter. Criteria: GeneDx Variant Classification Process June 2021. Collection method: clinical testing. Allele origin: germline. Affected: yes.
Comment: Not observed at significant frequency in large population cohorts (gnomAD); In silico analysis indicates that this missense variant does not alter protein structure/function; Has not been previously published as pathogenic or benign to our knowledge; This variant is associated with the following publications: (PMID: 18199528)

Ambry Genetics
Classification: Uncertain significance for Hereditary cancer-predisposing syndrome. Last evaluated: 2024-09-17. Review status: criteria provided, single submitter. Criteria: Ambry Variant Classification Scheme 2023. Collection method: clinical testing. Allele origin: germline.
Comment: The p.L1482F variant (also known as c.4444C>T), located in coding exon 15 of the APC gene, results from a C to T substitution at nucleotide position 4444. The leucine at codon 1482 is replaced by phenylalanine, an amino acid with highly similar properties. This amino acid position is highly conserved in available vertebrate species. In addition, in silico predictors for this gene do not accurately predict pathogenicity. Based on the available evidence, the clinical significance of this variant remains unclear.

Literature cited by the submitters: PubMed 38849509 (cited by Ambry Genetics).

NM_000038.6(APC):c.4444C>T (p.Leu1482Phe)

Gene: APC (APC regulator of Wnt signaling pathway; plus strand). Cytogenetic location: 5q22.2.
Variant type: single nucleotide variant.
Coding change: c.4444C>T on transcript NM_000038.6 (MANE Select); coding-DNA position 4444, C replaced by T.
Protein change: p.Leu1482Phe; replaces leucine 1482 with phenylalanine.
Molecular consequence: missense variant.
Genome position (GRCh38, 1-based): chr5:112,840,038, C>T. VCF-style: chr5-112840038-C-T. GRCh37 (hg19) VCF-style: chr5-112175735-C-T.
Other names: c.4444C>T, p.Leu1482Phe (NM_001127510.3, NM_001354895.2, NM_001407450.1); c.4390C>T, p.Leu1464Phe (NM_001127511.3); c.4498C>T, p.Leu1500Phe (NM_001354896.2, NM_001407447.1, NM_001407448.1 and 1 more transcripts); c.4474C>T, p.Leu1492Phe (NM_001354897.2); c.4369C>T, p.Leu1457Phe (NM_001354898.2); c.4360C>T, p.Leu1454Phe (NM_001354899.2); c.4321C>T, p.Leu1441Phe (NM_001354900.2); c.4267C>T, p.Leu1423Phe (NM_001354901.2, NM_001407453.1); and 11 more; short protein forms L1098F, L1199F, L1322F, L1353F, L1356F, L1381F, L1391F, L1399F.
Identifiers: ClinVar variation 1721028 (VCV001721028.10), dbSNP rs1313356706, ClinGen allele CA16031060.